The following is an entry in ClinVar:

ClinVar aggregate classification (germline): Uncertain significance (1 of 4 stars; one submission).

Conditions:
Hereditary cancer-predisposing syndrome. Also called: Hereditary neoplastic syndrome; Hereditary Cancer Syndrome; Neoplastic Syndromes, Hereditary; Tumor predisposition. Identifiers: Orphanet 140162, MedGen C0027672, MeSH D009386, MONDO:0015356.

Allele frequency attached by ClinVar (database versions not stated): TOPMed below 0.00001.

Submission:

Ambry Genetics
Classification: Uncertain significance for Hereditary cancer-predisposing syndrome. Last evaluated: 2023-04-13. Review status: criteria provided, single submitter. Criteria: Ambry Variant Classification Scheme 2023. Collection method: clinical testing. Allele origin: germline.
Comment: The p.A1079T variant (also known as c.3235G>A), located in coding exon 12 of the PALB2 gene, results from a G to A substitution at nucleotide position 3235. The alanine at codon 1079 is replaced by threonine, an amino acid with similar properties. This amino acid position is conserved. In addition, this alteration is predicted to be tolerated by in silico analysis. Since supporting evidence is limited at this time, the clinical significance of this alteration remains unclear.

NM_024675.4(PALB2):c.3235G>A (p.Ala1079Thr)

Gene: PALB2 (partner and localizer of BRCA2; minus strand). Cytogenetic location: 16p12.2.
Variant type: single nucleotide variant.
Coding change: c.3235G>A on transcript NM_024675.4 (MANE Select); coding-DNA position 3235, G replaced by A.
Protein change: p.Ala1079Thr; replaces alanine 1079 with threonine.
Molecular consequence: missense variant. On other transcripts: intron variant (8).
Genome position (GRCh38, 1-based): chr16:23,607,979, C>T on the plus strand (G>A on the coding strand, the complement: PALB2 is on the minus strand). VCF-style: chr16-23607979-C-T. GRCh37 (hg19) VCF-style: chr16-23619300-C-T.
Other names: c.3175G>A, p.Ala1059Thr (NM_001407296.1); c.3163G>A, p.Ala1055Thr (NM_001407297.1); c.3073G>A, p.Ala1025Thr (NM_001407298.1); c.2956G>A, p.Ala986Thr (NM_001407300.1); c.2350G>A, p.Ala784Thr (NM_001407304.1, NM_001407305.1, NM_001407306.1); c.2188G>A, p.Ala730Thr (NM_001407307.1); c.1447G>A, p.Ala483Thr (NM_001407312.1); c.769G>A, p.Ala257Thr (NM_001407314.1); and 6 more; short protein forms A1079T, A483T, A730T, A784T, A986T, A1025T, A1055T, A1059T.
Identifiers: ClinVar variation 2567570 (VCV002567570.2), dbSNP rs730881878, ClinGen allele CA395139959.